The following is an entry in ClinVar:

ClinVar aggregate classification (germline): Uncertain significance (1 of 4 stars; one submission).

gnomAD v4.1: 40 of 1,614,234 alleles (0.0025%); highest among the groups gnomAD compares: East Asian, 0.013%; no homozygotes.

Submission:

Labcorp Genetics (formerly Invitae), Labcorp
Classification: Uncertain significance. Last evaluated: 2025-04-17. Review status: criteria provided, single submitter. Criteria: Invitae Variant Classification Sherloc (09022015). Collection method: clinical testing. Allele origin: germline.
Comment: This sequence change replaces asparagine, which is neutral and polar, with serine, which is neutral and polar, at codon 542 of the PPM1D protein (p.Asn542Ser). This variant is present in population databases (rs781469973, gnomAD 0.0009%). This variant has not been reported in the literature in individuals affected with PPM1D-related conditions. An algorithm developed to predict the effect of missense changes on protein structure and function (PolyPhen-2) suggests that this variant is likely to be tolerated. In summary, the available evidence is currently insufficient to determine the role of this variant in disease. Therefore, it has been classified as a Variant of Uncertain Significance.

NM_003620.4(PPM1D):c.1625A>G (p.Asn542Ser)

Gene: PPM1D (protein phosphatase, Mg2+/Mn2+ dependent 1D; plus strand). Cytogenetic location: 17q23.2.
Variant type: single nucleotide variant.
Coding change: c.1625A>G on transcript NM_003620.4 (MANE Select); coding-DNA position 1625, A replaced by G.
Protein change: p.Asn542Ser; replaces asparagine 542 with serine.
Molecular consequence: missense variant.
Genome position (GRCh38, 1-based): chr17:60,663,359, A>G. VCF-style: chr17-60663359-A-G. GRCh37 (hg19) VCF-style: chr17-58740720-A-G.
Other names: short protein forms N542S.
Identifiers: ClinVar variation 4694425 (VCV004694425.1).